The following is an entry in ClinVar:

ClinVar aggregate classification (germline): Pathogenic/Likely pathogenic. Review status: criteria provided, multiple submitters, no conflicts (2 of 4 stars). 2 submissions from 2 submitters: Pathogenic (1); Likely pathogenic (1). Last evaluated 2023-07-13.

Conditions:
Joubert syndrome. Also called: JOUBERT-BOLTSHAUSER SYNDROME; Familial aplasia of the vermis. Identifiers: Orphanet 475, MedGen C5979921, MONDO:0018772.
TMEM216-related disorder. Also called: TMEM216-related disorders; TMEM216-related condition.

Submissions (2):

Labcorp Genetics (formerly Invitae), Labcorp
Classification: Pathogenic for Joubert syndrome. Last evaluated: 2023-07-13. Review status: criteria provided, single submitter. Criteria: Invitae Variant Classification Sherloc (09022015). Collection method: clinical testing. Allele origin: germline.
Comment: For these reasons, this variant has been classified as Pathogenic. This variant has not been reported in the literature in individuals affected with TMEM216-related conditions. This variant is not present in population databases (gnomAD no frequency). This sequence change creates a premature translational stop signal (p.Tyr66Ilefs*6) in the TMEM216 gene. It is expected to result in an absent or disrupted protein product. Loss-of-function variants in TMEM216 are known to be pathogenic (PMID: 20512146).

Blueprint Genetics
Classification: Likely pathogenic for TMEM216-related disorders. Last evaluated: 2022-09-29. Review status: criteria provided, single submitter. Criteria: ACMG Guidelines, 2015. Collection method: clinical testing. Allele origin: germline. Affected: yes. Observed: 1 variant allele.

Literature cited by the submitters: PubMed 20512146 (cited by Labcorp Genetics (formerly Invitae), Labcorp).

NM_001173990.3(TMEM216):c.196del (p.Tyr66fs)

Gene: TMEM216 (transmembrane protein 216; plus strand). Cytogenetic location: 11q12.2.
Variant type: Deletion.
Coding change: c.196del on transcript NM_001173990.3 (MANE Select); coding-DNA position 196, one base deleted (T; older notation c.196delT).
Protein change: p.Tyr66fs; shifts the reading frame from tyrosine 66.
Molecular consequence: frameshift variant.
Genome position (GRCh38, 1-based): chr11:61,393,943, T deleted; the last of 3 consecutive T bases (chr11:61,393,941-61,393,943); deleting any one gives the same sequence. VCF-style (leftmost placement, unchanged base first): chr11-61393940-CT-C. GRCh37 (hg19) VCF-style: chr11-61161412-CT-C.
Other names: c.196del, p.Tyr66fs (NM_001173991.3); c.13del, p.Tyr5fs (NM_001330285.2, NM_016499.6); short protein forms Y5fs, Y66fs.
Identifiers: ClinVar variation 2743029 (VCV002743029.4), dbSNP rs2539892774, ClinGen allele CA2697548688.